The following is an entry in ClinVar:

NM_007325.5(GRIA3):c.312C>G (p.Phe104Leu)

Gene: GRIA3 (glutamate ionotropic receptor AMPA type subunit 3; plus strand). Cytogenetic location: Xq25.
Variant type: single nucleotide variant.
Coding change: c.312C>G on transcript NM_007325.5 (MANE Select); coding-DNA position 312, C replaced by G.
Protein change: p.Phe104Leu; replaces phenylalanine 104 with leucine.
Molecular consequence: missense variant.
Genome position (GRCh38, 1-based): chrX:123,253,346, C>G. VCF-style: chrX-123253346-C-G. GRCh37 (hg19) VCF-style: chrX-122387197-C-G.
Other names: c.312C>G, p.Phe104Leu (NM_000828.5); short protein forms F104L.
Identifiers: ClinVar variation 4528217 (VCV004528217.1).

ClinVar aggregate classification (germline): Uncertain significance (1 of 4 stars; one submission).

Submission:

GeneDx
Classification: Uncertain significance. Last evaluated: 2025-05-08. Review status: criteria provided, single submitter. Criteria: GeneDx Variant Classification Process June 2021. Collection method: clinical testing. Allele origin: germline. Affected: yes.
Comment: Not observed at significant frequency in large population cohorts (gnomAD); In silico analysis supports that this missense variant has a deleterious effect on protein structure/function; Has not been previously published as pathogenic or benign to our knowledge